The following is an entry in ClinVar:

NM_145261.4(DNAJC19):c.129T>C (p.Ser43=)

Gene: DNAJC19 (DnaJ heat shock protein family (Hsp40) member C19; minus strand). Cytogenetic location: 3q26.33.
Variant type: single nucleotide variant.
Coding change: c.129T>C on transcript NM_145261.4 (MANE Select); coding-DNA position 129, T replaced by C.
Protein change: p.Ser43=; no amino-acid change (serine 43 retained).
Molecular consequence: synonymous variant. On other transcripts: non-coding transcript variant (3).
Genome position (GRCh38, 1-based): chr3:180,988,023, A>G on the plus strand (T>C on the coding strand, the complement: DNAJC19 is on the minus strand). VCF-style: chr3-180988023-A-G. GRCh37 (hg19) VCF-style: chr3-180705811-A-G.
Other names: c.54T>C, p.Ser18= (NM_001190233.2).
Identifiers: ClinVar variation 3031560 (VCV003031560.2), dbSNP rs2473933488, ClinGen allele CA437197740.

ClinVar aggregate classification (germline): Likely benign (0 of 4 stars; one submission).

Conditions:
DNAJC19-related disorder. Also called: DNAJC19-related condition.

Submission:

PreventionGenetics, part of Exact Sciences
Classification: Likely benign for DNAJC19-related condition. Last evaluated: 2021-01-28. Review status: no assertion criteria provided. Collection method: clinical testing. Allele origin: germline.
Comment: This variant is classified as likely benign based on ACMG/AMP sequence variant interpretation guidelines (Richards et al. 2015 PMID: 25741868, with internal and published modifications).